The following is an entry in ClinVar:

ClinVar aggregate classification (germline): Uncertain significance (0 of 4 stars; one submission).

Conditions:
NKX2-5-related disorder. Also called: NKX2-5-related condition.

Submission:

PreventionGenetics, part of Exact Sciences
Classification: Uncertain significance for NKX2-5-related condition. Last evaluated: 2024-01-27. Review status: no assertion criteria provided. Collection method: clinical testing. Allele origin: germline.
Comment: The NKX2-5 c.447G>C variant is predicted to result in the amino acid substitution p.Leu149Phe. To our knowledge, this variant has not been reported in the literature or in a large population database, indicating this variant is rare. At this time, the clinical significance of this variant is uncertain due to the absence of conclusive functional and genetic evidence.

NM_004387.4(NKX2-5):c.335-143G>C

Gene: NKX2-5 (NK2 homeobox 5; minus strand). Cytogenetic location: 5q35.1.
Variant type: single nucleotide variant.
Coding change: c.335-143G>C on transcript NM_004387.4 (MANE Select); 143 bases into the intron before coding-DNA position 335, G replaced by C.
Molecular consequence: intron variant. On other transcripts: 3 prime UTR variant (1), missense variant (1).
Genome position (GRCh38, 1-based): chr5:173,233,352, C>G on the plus strand (G>C on the coding strand, the complement: NKX2-5 is on the minus strand). VCF-style: chr5-173233352-C-G. GRCh37 (hg19) VCF-style: chr5-172660355-C-G.
Other names: c.*145G>C (NM_001166175.2); c.447G>C, p.Leu149Phe (NM_001166176.2); short protein forms L149F.
Identifiers: ClinVar variation 3061418 (VCV003061418.2), dbSNP rs1308330747, ClinGen allele CA362162097.
Genomic context (GRCh38, chr5:173,233,352, plus strand): 5'-ATCCTCGTGGAGGCCACTGTGTCCTGCCTGGAGCGCCCAGCTGGCTGCGGCTCACTCTGC[C>G]AAGTGCACTGGGAGCCACCGACACGTCTCACTCAGCATTTGTAGAAAGTCAGGCTGGCTC-3'